The following is an entry in ClinVar:

NM_153460.4(IL17RC):c.574C>T (p.Pro192Ser)

Gene: IL17RC (interleukin 17 receptor C; plus strand). Cytogenetic location: 3p25.3.
Variant type: single nucleotide variant.
Coding change: c.574C>T on transcript NM_153460.4 (MANE Select); coding-DNA position 574, C replaced by T.
Protein change: p.Pro192Ser; replaces proline 192 with serine.
Molecular consequence: missense variant. On other transcripts: non-coding transcript variant (1).
Genome position (GRCh38, 1-based): chr3:9,920,599, C>T. VCF-style: chr3-9920599-C-T. GRCh37 (hg19) VCF-style: chr3-9962283-C-T.
Other names: c.574C>T, p.Pro192Ser (NM_001203263.2, NM_001203264.2, NM_001203265.2 and 3 more transcripts); c.499C>T, p.Pro167Ser (NM_001367279.1); c.787C>T, p.Pro263Ser (NM_153461.4); c.787C>T (NM_153461.3); short protein forms P263S, P192S, P167S.
Identifiers: ClinVar variation 1505938 (VCV001505938.9), dbSNP rs201607994, ClinGen allele CA2246865.

ClinVar aggregate classification (germline): Uncertain significance. Review status: criteria provided, multiple submitters, no conflicts (2 of 4 stars). 2 submissions from 2 submitters: Uncertain significance (2). Last evaluated 2025-08-21.

Conditions:
Candidiasis, familial, 9 (CANDF9). Identifiers: Orphanet 1334, MedGen C4225324, MONDO:0014642, OMIM 616445.

Allele frequency attached by ClinVar (database versions not stated): gnomAD exomes 0.00001 and 0.00004; ExAC 0.00011.
gnomAD v4.1: 23 of 1,594,638 alleles (0.0014%); highest among the groups gnomAD compares: South Asian, 0.02%; no homozygotes.

Submissions (2):

Ambry Genetics
Classification: Uncertain significance. Last evaluated: 2025-08-21. Review status: criteria provided, single submitter. Criteria: Ambry Variant Classification Scheme 2023. Collection method: clinical testing. Allele origin: germline.

Labcorp Genetics (formerly Invitae), Labcorp
Classification: Uncertain significance for Candidiasis, familial, 9. Last evaluated: 2025-06-15. Review status: criteria provided, single submitter. Criteria: Invitae Variant Classification Sherloc (09022015). Collection method: clinical testing. Allele origin: germline.
Comment: This sequence change replaces proline, which is neutral and non-polar, with serine, which is neutral and polar, at codon 263 of the IL17RC protein (p.Pro263Ser). This variant is present in population databases (rs201607994, gnomAD 0.03%). This variant has not been reported in the literature in individuals affected with IL17RC-related conditions. ClinVar contains an entry for this variant (Variation ID: 1505938). An algorithm developed to predict the effect of missense changes on protein structure and function (PolyPhen-2) suggests that this variant is likely to be disruptive. In summary, the available evidence is currently insufficient to determine the role of this variant in disease. Therefore, it has been classified as a Variant of Uncertain Significance.